The following is an entry in ClinVar:

ClinVar aggregate classification (germline): Benign/Likely benign. Review status: criteria provided, multiple submitters, no conflicts (2 of 4 stars). 4 submissions from 4 submitters: Benign (3); Likely benign (1). Last evaluated 2026-01-28.

Conditions:
Netherton syndrome (NETH). Also called: NETHERTON DISEASE; ERYTHRODERMA, ICHTHYOSIFORM, WITH HYPOTRICHOSIS AND HYPER-IgE; COMEL-NETHERTON SYNDROME. Identifiers: Orphanet 634, MedGen C5574950, MONDO:0009735, OMIM 256500.
Ichthyosis linearis circumflexa. Identifiers: MedGen C0265962, MONDO:0043106, HP:0025810.

Allele frequency attached by ClinVar (database versions not stated): gnomAD exomes 0.00236; ExAC 0.00289; ESP Exome Variant Server 0.00980; gnomAD 0.00987 and 0.01052; TOPMed 0.01088; 1000 Genomes Project 0.01098; 1000 Genomes Project 30x 0.01234.
gnomAD v4.1: 2,835 of 1,613,694 alleles (0.18%); highest among the groups gnomAD compares: African/African-American, 3.3%; 42 homozygotes.

Submissions (4):

Labcorp Genetics (formerly Invitae), Labcorp
Classification: Benign for Ichthyosis linearis circumflexa. Last evaluated: 2026-01-28. Review status: criteria provided, single submitter. Criteria: Invitae Variant Classification Sherloc (09022015). Collection method: clinical testing. Allele origin: germline.

Women's Health and Genetics/Laboratory Corporation of America, LabCorp
Classification: Likely benign. Last evaluated: 2026-01-22. Review status: criteria provided, single submitter. Criteria: LabCorp Variant Classification Summary - May 2015. Collection method: clinical testing. Allele origin: germline.

Illumina Laboratory Services, Illumina
Classification: Benign for Netherton syndrome. Last evaluated: 2018-01-13. Review status: criteria provided, single submitter. Criteria: ICSL Variant Classification Criteria 13 December 2019. Collection method: clinical testing. Allele origin: germline.
Comment: This variant was observed in the ICSL laboratory as part of a predisposition screen in an ostensibly healthy population. It had not been previously curated by ICSL or reported in the Human Gene Mutation Database (HGMD: prior to June 1st, 2018), and was therefore a candidate for classification through an automated scoring system. Utilizing variant allele frequency, disease prevalence and penetrance estimates, and inheritance mode, an automated score was calculated to assess if this variant is too frequent to cause the disease. Based on the score and internal cut-off values, a variant classified as benign is not then subjected to further curation. The score for this variant resulted in a classification of benign for this disease.

GeneDx
Classification: Benign. Last evaluated: 2015-03-03. Review status: criteria provided, single submitter. Criteria: GeneDx Variant Classification Process June 2021. Collection method: clinical testing. Allele origin: germline. Affected: yes.

NM_006846.4(SPINK5):c.3186+8C>T

Gene: SPINK5 (serine peptidase inhibitor Kazal type 5; plus strand). Cytogenetic location: 5q32.
Variant type: single nucleotide variant.
Coding change: c.3186+8C>T on transcript NM_006846.4 (MANE Select); 8 bases into the intron after coding-DNA position 3186, C replaced by T.
Molecular consequence: intron variant.
Genome position (GRCh38, 1-based): chr5:148,133,895, C>T. VCF-style: chr5-148133895-C-T. GRCh37 (hg19) VCF-style: chr5-147513458-C-T.
Other names: c.3276+8C>T (NM_001127698.2).
Identifiers: ClinVar variation 351545 (VCV000351545.17), dbSNP rs115366845, ClinGen allele CA3496272.
Genomic context (GRCh38, chr5:148,133,895, plus strand): 5'-AGTGTGAGGAGAGCAGCACCCCAGGAACCACCGCAGCCAGCATGCCCCCGTCTGTAAGTA[C>T]ATAAGTAGACTGGCCTCCATGGTTACGTTGTGAGGAGCACTGGGTTCTGGTTTTGTTCTC-3'